The following is an entry in ClinVar:

NM_018062.4(FANCL):c.842T>C (p.Leu281Ser)

Gene: FANCL (FA complementation group L; minus strand). Cytogenetic location: 2p16.1.
Variant type: single nucleotide variant.
Coding change: c.842T>C on transcript NM_018062.4 (MANE Select); coding-DNA position 842, T replaced by C.
Protein change: p.Leu281Ser; replaces leucine 281 with serine.
Molecular consequence: missense variant.
Genome position (GRCh38, 1-based): chr2:58,162,927, A>G on the plus strand (T>C on the coding strand, the complement: FANCL is on the minus strand). VCF-style: chr2-58162927-A-G. GRCh37 (hg19) VCF-style: chr2-58390062-A-G.
Other names: c.857T>C, p.Leu286Ser (NM_001114636.2); c.887T>C, p.Leu296Ser (NM_001374615.1); c.902T>C, p.Leu301Ser (NM_001410792.1); short protein forms L286S, L281S, L296S, L301S.
Identifiers: ClinVar variation 1035640 (VCV001035640.9), dbSNP rs935920468, ClinGen allele CA48354664.

ClinVar aggregate classification (germline): Uncertain significance. Review status: criteria provided, multiple submitters, no conflicts (2 of 4 stars). 3 submissions from 3 submitters: Uncertain significance (3). Last evaluated 2025-11-13.

Conditions:
Fanconi anemia complementation group L (FANCL). Also called: FANCL-Related Fanconi Anemia. Identifiers: Orphanet 84, MedGen C3469528, MONDO:0013566, OMIM 614083.
Inborn genetic diseases. Identifiers: MedGen C0950123, MeSH D030342.
Fanconi anemia (FA). Also called: Fanconi's anemia. Identifiers: Orphanet 84, MedGen C0015625, MeSH D005199, MONDO:0019391.

Allele frequency attached by ClinVar (database versions not stated): TOPMed 0.00001; gnomAD exomes 0.00003.
gnomAD v4.1: 52 of 1,613,062 alleles (0.0032%); highest among the groups gnomAD compares: Non-Finnish European, 0.0039%; no homozygotes.

Submissions (3):

Ambry Genetics
Classification: Uncertain significance for Inborn genetic diseases. Last evaluated: 2025-11-13. Review status: criteria provided, single submitter. Criteria: Ambry Variant Classification Scheme 2023. Collection method: clinical testing. Allele origin: germline.

Labcorp Genetics (formerly Invitae), Labcorp
Classification: Uncertain significance for Fanconi anemia. Last evaluated: 2022-09-27. Review status: criteria provided, single submitter. Criteria: Invitae Variant Classification Sherloc (09022015). Collection method: clinical testing. Allele origin: germline.
Comment: This sequence change replaces leucine, which is neutral and non-polar, with serine, which is neutral and polar, at codon 281 of the FANCL protein (p.Leu281Ser). This variant is not present in population databases (gnomAD no frequency). This variant has not been reported in the literature in individuals affected with FANCL-related conditions. ClinVar contains an entry for this variant (Variation ID: 1035640). Advanced modeling of protein sequence and biophysical properties (such as structural, functional, and spatial information, amino acid conservation, physicochemical variation, residue mobility, and thermodynamic stability) has been performed at Invitae for this missense variant, however the output from this modeling did not meet the statistical confidence thresholds required to predict the impact of this variant on FANCL protein function. In summary, the available evidence is currently insufficient to determine the role of this variant in disease. Therefore, it has been classified as a Variant of Uncertain Significance.

Fulgent Genetics
Classification: Uncertain significance for Fanconi anemia complementation group L. Last evaluated: 2021-09-23. Review status: criteria provided, single submitter. Criteria: ACMG Guidelines, 2015. Collection method: clinical testing. Allele origin: unknown.